The following is an entry in ClinVar:

NM_017849.4(TMEM127):c.131T>G (p.Leu44Arg)

Gene: TMEM127 (transmembrane protein 127; minus strand). Cytogenetic location: 2q11.2.
Variant type: single nucleotide variant.
Coding change: c.131T>G on transcript NM_017849.4 (MANE Select); coding-DNA position 131, T replaced by G.
Protein change: p.Leu44Arg; replaces leucine 44 with arginine.
Molecular consequence: missense variant. On other transcripts: intron variant (1).
Genome position (GRCh38, 1-based): chr2:96,265,251, A>C on the plus strand (T>G on the coding strand, the complement: TMEM127 is on the minus strand). VCF-style: chr2-96265251-A-C. GRCh37 (hg19) VCF-style: chr2-96930989-A-C.
Other names: c.131T>G, p.Leu44Arg (NM_001193304.3); c.-9+618T>G (NM_001407283.1); short protein forms L44R.
Identifiers: ClinVar variation 2910142 (VCV002910142.3), dbSNP rs1191742457, ClinGen allele CA347656053.

ClinVar aggregate classification (germline): Uncertain significance (1 of 4 stars; one submission).

Conditions:
Hereditary pheochromocytoma and paraganglioma. Also called: Hereditary paragangliomas and pheochromocytomas; Hereditary Paraganglioma-Pheochromocytoma Syndromes; Hereditary pheochromocytoma-paraganglioma. Identifiers: Orphanet 29072, MedGen C4274332, MONDO:0017366.

Submission:

Labcorp Genetics (formerly Invitae), Labcorp
Classification: Uncertain significance for Hereditary pheochromocytoma and paraganglioma. Last evaluated: 2023-03-12. Review status: criteria provided, single submitter. Criteria: Invitae Variant Classification Sherloc (09022015). Collection method: clinical testing. Allele origin: germline.
Comment: This variant is not present in population databases (gnomAD no frequency). In summary, the available evidence is currently insufficient to determine the role of this variant in disease. Therefore, it has been classified as a Variant of Uncertain Significance. An algorithm developed to predict the effect of missense changes on protein structure and function (PolyPhen-2) suggests that this variant is likely to be disruptive. This missense change has been observed in individual(s) with bilateral pheochromocytoma (PMID: 28384794). This sequence change replaces leucine, which is neutral and non-polar, with arginine, which is basic and polar, at codon 44 of the TMEM127 protein (p.Leu44Arg).

Literature cited by the submitters: PubMed 28384794.